The following is an entry in ClinVar:

NM_004656.4(BAP1):c.493A>G (p.Met165Val)

Gene: BAP1 (BRCA1 associated deubiquitinase 1; minus strand). Cytogenetic location: 3p21.1.
Variant type: single nucleotide variant.
Coding change: c.493A>G on transcript NM_004656.4 (MANE Select); coding-DNA position 493, A replaced by G.
Protein change: p.Met165Val; replaces methionine 165 with valine.
Molecular consequence: missense variant.
Genome position (GRCh38, 1-based): chr3:52,407,261, T>C on the plus strand (A>G on the coding strand, the complement: BAP1 is on the minus strand). VCF-style: chr3-52407261-T-C. GRCh37 (hg19) VCF-style: chr3-52441277-T-C.
Other names: c.493A>G, p.Met165Val (NM_001410772.1); short protein forms M165V.
Identifiers: ClinVar variation 3477263 (VCV003477263.3).

ClinVar aggregate classification (germline): Uncertain significance. Review status: criteria provided, multiple submitters, no conflicts (2 of 4 stars). 2 submissions from 2 submitters: Uncertain significance (2). Last evaluated 2026-01-06.

Conditions:
BAP1-related tumor predisposition syndrome (TPDS1). Also called: COMMON Syndrome; TUMOR PREDISPOSITION SYNDROME 1; BAP1 tumor predisposition syndrome; Tumor susceptibility linked to germline BAP1 mutations. Identifiers: Orphanet 289539, MedGen C3280492, MONDO:0013692, OMIM 614327.
Hereditary cancer-predisposing syndrome. Also called: Tumor predisposition; Neoplastic Syndromes, Hereditary; Hereditary neoplastic syndrome; Hereditary Cancer Syndrome. Identifiers: Orphanet 140162, MedGen C0027672, MeSH D009386, MONDO:0015356.

Submissions (2):

Labcorp Genetics (formerly Invitae), Labcorp
Classification: Uncertain significance for BAP1-related tumor predisposition syndrome. Last evaluated: 2026-01-06. Review status: criteria provided, single submitter. Criteria: Invitae Variant Classification Sherloc (09022015). Collection method: clinical testing. Allele origin: germline.
Comment: This sequence change replaces methionine, which is neutral and non-polar, with valine, which is neutral and non-polar, at codon 165 of the BAP1 protein (p.Met165Val). This variant is not present in population databases (gnomAD no frequency). This variant has not been reported in the literature in individuals affected with BAP1-related conditions. ClinVar contains an entry for this variant (Variation ID: 3477263). Invitae Evidence Modeling of protein sequence and biophysical properties (such as structural, functional, and spatial information, amino acid conservation, physicochemical variation, residue mobility, and thermodynamic stability) indicates that this missense variant is not expected to disrupt BAP1 protein function with a negative predictive value of 80%. In summary, the available evidence is currently insufficient to determine the role of this variant in disease. Therefore, it has been classified as a Variant of Uncertain Significance.

Ambry Genetics
Classification: Uncertain significance for Hereditary cancer-predisposing syndrome. Last evaluated: 2024-06-30. Review status: criteria provided, single submitter. Criteria: Ambry Variant Classification Scheme 2023. Collection method: clinical testing. Allele origin: germline.
Comment: The p.M165V variant (also known as c.493A>G), located in coding exon 7 of the BAP1 gene, results from an A to G substitution at nucleotide position 493. The methionine at codon 165 is replaced by valine, an amino acid with highly similar properties. This amino acid position is conserved. In addition, the in silico prediction for this alteration is inconclusive. Based on the available evidence, the clinical significance of this variant remains unclear.